The following is an entry in ClinVar:

ClinVar aggregate classification (germline): Uncertain significance (1 of 4 stars; one submission).

Allele frequency attached by ClinVar (database versions not stated): ExAC 0.00001; gnomAD 0.00001; TOPMed 0.00001.
gnomAD v4.1: 15 of 1,614,006 alleles (0.00093%); highest among the groups gnomAD compares: Admixed American, 0.012%; no homozygotes.

Submission:

Labcorp Genetics (formerly Invitae), Labcorp
Classification: Uncertain significance. Last evaluated: 2024-12-09. Review status: criteria provided, single submitter. Criteria: Invitae Variant Classification Sherloc (09022015). Collection method: clinical testing. Allele origin: germline.
Comment: This sequence change replaces arginine, which is basic and polar, with tryptophan, which is neutral and slightly polar, at codon 75 of the SLC39A14 protein (p.Arg75Trp). This variant is present in population databases (rs777768579, gnomAD 0.02%). This variant has not been reported in the literature in individuals affected with SLC39A14-related conditions. ClinVar contains an entry for this variant (Variation ID: 1989045). An algorithm developed to predict the effect of missense changes on protein structure and function (PolyPhen-2) suggests that this variant is likely to be disruptive. In summary, the available evidence is currently insufficient to determine the role of this variant in disease. Therefore, it has been classified as a Variant of Uncertain Significance.

NM_001128431.4(SLC39A14):c.223C>T (p.Arg75Trp)

Gene: SLC39A14 (solute carrier family 39 member 14; plus strand). Cytogenetic location: 8p21.3.
Variant type: single nucleotide variant.
Coding change: c.223C>T on transcript NM_001128431.4 (MANE Select); coding-DNA position 223, C replaced by T.
Protein change: p.Arg75Trp; replaces arginine 75 with tryptophan.
Molecular consequence: missense variant.
Genome position (GRCh38, 1-based): chr8:22,404,933, C>T. VCF-style: chr8-22404933-C-T. GRCh37 (hg19) VCF-style: chr8-22262446-C-T.
Other names: c.223C>T, p.Arg75Trp (NM_001135153.3, NM_001135154.3, NM_001351655.2 and 3 more transcripts); c.253C>T, p.Arg85Trp (NM_001351657.2, NM_001351658.2, NM_001351659.2); short protein forms R75W, R85W.
Identifiers: ClinVar variation 1989045 (VCV001989045.4), dbSNP rs777768579, ClinGen allele CA4667239.